The following is an entry in ClinVar:

ClinVar aggregate classification (germline): Uncertain significance (1 of 4 stars; one submission).

gnomAD v4.1: 1 of 1,549,116 alleles (0.000065%); highest among the groups gnomAD compares: Non-Finnish European, 0.000088%; no homozygotes.

Submission:

Labcorp Genetics (formerly Invitae), Labcorp
Classification: Uncertain significance. Last evaluated: 2022-07-05. Review status: criteria provided, single submitter. Criteria: Invitae Variant Classification Sherloc (09022015). Collection method: clinical testing. Allele origin: germline.
Comment: This sequence change replaces lysine, which is basic and polar, with asparagine, which is neutral and polar, at codon 555 of the KCNQ5 protein (p.Lys555Asn). This variant is not present in population databases (gnomAD no frequency). This variant has not been reported in the literature in individuals affected with KCNQ5-related conditions. ClinVar contains an entry for this variant (Variation ID: 1523417). Advanced modeling of protein sequence and biophysical properties (such as structural, functional, and spatial information, amino acid conservation, physicochemical variation, residue mobility, and thermodynamic stability) performed at Invitae indicates that this missense variant is expected to disrupt KCNQ5 protein function. In summary, the available evidence is currently insufficient to determine the role of this variant in disease. Therefore, it has been classified as a Variant of Uncertain Significance.

NM_019842.4(KCNQ5):c.1608G>T (p.Lys536Asn)

Gene: KCNQ5 (potassium voltage-gated channel subfamily Q member 5; plus strand). Cytogenetic location: 6q13.
Variant type: single nucleotide variant.
Coding change: c.1608G>T on transcript NM_019842.4 (MANE Select); coding-DNA position 1608, G replaced by T.
Protein change: p.Lys536Asn; replaces lysine 536 with asparagine.
Molecular consequence: missense variant.
Genome position (GRCh38, 1-based): chr6:73,190,603, G>T. VCF-style: chr6-73190603-G-T. GRCh37 (hg19) VCF-style: chr6-73900326-G-T.
Other names: c.1581G>T, p.Lys527Asn (NM_001160130.2); c.1638G>T, p.Lys546Asn (NM_001160132.2); c.1665G>T, p.Lys555Asn (NM_001160133.2); c.1278G>T, p.Lys426Asn (NM_001160134.2); short protein forms K546N, K536N, K426N, K527N, K555N.
Identifiers: ClinVar variation 1523417 (VCV001523417.6), dbSNP rs766481238, ClinGen allele CA364693002.
Genomic context (GRCh38, chr6:73,190,603, plus strand): 5'-AAGATTAATATGTAATATGTTCTCATACAGAATTATGAAATTTCATGTTGCAAAACGGAA[G>T]TTTAAGGAAACATTACGTCCATATGATGTAAAAGATGTCATTGAACAATATTCTGCTGGT-3'
Protein context (NP_062816.2, residues 526-546): RIMKFHVAKR[Lys536Asn]FKETLRPYDV